The following is an entry in ClinVar:

ClinVar aggregate classification (germline): Likely benign. Review status: criteria provided, multiple submitters, no conflicts (2 of 4 stars). 2 submissions from 2 submitters: Likely benign (2). Last evaluated 2025-10-29.

Conditions:
Long QT syndrome (LQTS). Identifiers: MedGen C0023976, MeSH D008133, MONDO:0002442. Disease mechanism: loss of function. Inheritance: Various modes of inheritance.

Submissions (2):

Labcorp Genetics (formerly Invitae), Labcorp
Classification: Likely benign for Long QT syndrome. Last evaluated: 2025-10-29. Review status: criteria provided, single submitter. Criteria: Invitae Variant Classification Sherloc (09022015). Collection method: clinical testing. Allele origin: germline.

GeneDx
Classification: Likely benign. Last evaluated: 2017-11-15. Review status: criteria provided, single submitter. Criteria: GeneDx Variant Classification (06012015). Collection method: clinical testing. Allele origin: germline. Affected: yes.
Comment: This variant is considered likely benign or benign based on one or more of the following criteria: it is a conservative change, it occurs at a poorly conserved position in the protein, it is predicted to be benign by multiple in silico algorithms, and/or has population frequency not consistent with disease.

NM_003098.3(SNTA1):c.310+12_310+27del

Gene: SNTA1 (syntrophin alpha 1; minus strand). Cytogenetic location: 20q11.21.
Variant type: Deletion.
Coding change: c.310+12_310+27del on transcript NM_003098.3 (MANE Select); bases 12 to 27 of the intron after coding-DNA position 310, 16 bases deleted (ACACCGAGGGCGCGGG).
Molecular consequence: intron variant.
Genome position (GRCh38, 1-based): chr20:33,443,284-33,443,299, CCCGCGCCCTCGGTGT deleted on the plus strand (ACACCGAGGGCGCGGG on the coding strand, the reverse complement: SNTA1 is on the minus strand); deleting any 16 consecutive bases within chr20:33,443,284-33,443,308 gives the same sequence; the c. name uses the placement nearest the transcript's 3' end. VCF-style (leftmost placement, unchanged base first): chr20-33443283-CCCCGCGCCCTCGGTGT-C. GRCh37 (hg19) VCF-style: chr20-32031089-CCCCGCGCCCTCGGTGT-C.
Other names: c.310+12_310+27del16 (NM_003098.2).
Identifiers: ClinVar variation 513230 (VCV000513230.8), dbSNP rs1441274981, ClinGen allele CA635294008.
Genomic context (GRCh38, chr20:33,443,283, plus strand): 5'-CTCCATGTCCTGGGCGCGCTGCCAGCCCCCTGCGCCCTCGGCTGCCCCCAGACACCACGA[CCCCGCGCCCTCGGTGT>C]CCCGCGCCCACCTTTGATGCTGATGCCCAGCCCACCGGCGTCGGCCTTGCGCACCGTCAC-3'